The following is an entry in ClinVar:

ClinVar aggregate classification (germline): Uncertain significance (1 of 4 stars; one submission).

Conditions:
Neurofibromatosis, type 1 (NF1). Also called: NEUROFIBROMATOSIS, TYPE I, SOMATIC; Neurofibromatosis, type I; VON RECKLINGHAUSEN DISEASE; Peripheral type neurofibromatosis. Identifiers: Orphanet 636, MedGen C0027831, MONDO:0018975, OMIM 162200. Disease mechanism: loss of function.

Submission:

Labcorp Genetics (formerly Invitae), Labcorp
Classification: Uncertain significance for Neurofibromatosis, type 1. Last evaluated: 2024-11-12. Review status: criteria provided, single submitter. Criteria: Invitae Variant Classification Sherloc (09022015). Collection method: clinical testing. Allele origin: germline.
Comment: This sequence change replaces serine, which is neutral and polar, with alanine, which is neutral and non-polar, at codon 644 of the NF1 protein (p.Ser644Ala). This variant is not present in population databases (gnomAD no frequency). This variant has not been reported in the literature in individuals affected with NF1-related conditions. Invitae Evidence Modeling of protein sequence and biophysical properties (such as structural, functional, and spatial information, amino acid conservation, physicochemical variation, residue mobility, and thermodynamic stability) indicates that this missense variant is not expected to disrupt NF1 protein function with a negative predictive value of 95%. In summary, the available evidence is currently insufficient to determine the role of this variant in disease. Therefore, it has been classified as a Variant of Uncertain Significance.

NM_001042492.3(NF1):c.1930T>G (p.Ser644Ala)

Gene: NF1 (neurofibromin 1; plus strand). Cytogenetic location: 17q11.2.
Variant type: single nucleotide variant.
Coding change: c.1930T>G on transcript NM_001042492.3 (MANE Select); coding-DNA position 1930, T replaced by G.
Protein change: p.Ser644Ala; replaces serine 644 with alanine.
Molecular consequence: missense variant.
Genome position (GRCh38, 1-based): chr17:31,225,179, T>G. VCF-style: chr17-31225179-T-G. GRCh37 (hg19) VCF-style: chr17-29552197-T-G.
Other names: c.1930T>G, p.Ser644Ala (NM_000267.4); short protein forms S644A.
Identifiers: ClinVar variation 3707748 (VCV003707748.2).